The following is an entry in ClinVar:

ClinVar aggregate classification (germline): Pathogenic (1 of 4 stars; one submission).

Conditions:
Familial cancer of breast. Also called: Hereditary breast cancer; hereditary breast carcinoma; BREAST CANCER, FAMILIAL. Identifiers: Orphanet 227535, MedGen C0346153, MONDO:0016419, OMIM 114480. Disease mechanism: loss of function.

Submission:

Labcorp Genetics (formerly Invitae), Labcorp
Classification: Pathogenic for Familial cancer of breast. Last evaluated: 2025-04-01. Review status: criteria provided, single submitter. Criteria: Invitae Variant Classification Sherloc (09022015). Collection method: clinical testing. Allele origin: germline.
Comment: This sequence change creates a premature translational stop signal (p.Gly259Valfs*16) in the CHEK2 gene. It is expected to result in an absent or disrupted protein product. Loss-of-function variants in CHEK2 are known to be pathogenic (PMID: 21876083, 24713400). This variant is not present in population databases (gnomAD no frequency). This variant has not been reported in the literature in individuals affected with CHEK2-related conditions. ClinVar contains an entry for this variant (Variation ID: 934448). For these reasons, this variant has been classified as Pathogenic.

Literature cited by the submitters: PubMed 21876083; PubMed 24713400.

NM_007194.4(CHEK2):c.776del (p.Gly259fs)

Gene: CHEK2 (checkpoint kinase 2; minus strand). Cytogenetic location: 22q12.1.
Variant type: Deletion.
Coding change: c.776del on transcript NM_007194.4 (MANE Select); coding-DNA position 776, one base deleted (G; older notation c.776delG).
Protein change: p.Gly259fs; shifts the reading frame from glycine 259.
Molecular consequence: frameshift variant.
Genome position (GRCh38, 1-based): chr22:28,711,925, C deleted on the plus strand (G on the coding strand, the reverse complement: CHEK2 is on the minus strand); the first of 2 consecutive C bases (chr22:28,711,925-28,711,926); deleting either gives the same sequence. VCF-style (leftmost placement, unchanged base first): chr22-28711924-AC-A. GRCh37 (hg19) VCF-style: chr22-29107912-AC-A.
Other names: c.904delG, p.Gly302Valfs (NM_001005735.3); c.112delG, p.Gly38Valfs (NM_001257387.3); c.574delG, p.Gly192Valfs (NM_001349956.3); c.775delG, p.Gly259Valfs (NM_145862.3); short protein forms G302fs, G192fs, G38fs, G259fs.
Identifiers: ClinVar variation 934448 (VCV000934448.8), dbSNP rs2053407842, ClinGen allele CA1139666366.